The following is an entry in ClinVar:

ClinVar aggregate classification (germline): Uncertain significance. Review status: criteria provided, single submitter (1 of 4 stars). 2 submissions from 2 submitters: Uncertain significance (1). 1 of the submissions does not count toward it. Last evaluated 2022-05-27.

Conditions:
Progressive familial intrahepatic cholestasis type 2. Identifiers: Orphanet 79304, MedGen C3489789, MONDO:0011156, OMIM 601847.

gnomAD v4.1: 2 of 1,607,966 alleles (0.00012%); highest among the groups gnomAD compares: Non-Finnish European, 0.00017%; no homozygotes.

Submissions (2):

Labcorp Genetics (formerly Invitae), Labcorp
Classification: Uncertain significance. Last evaluated: 2022-05-27. Review status: criteria provided, single submitter. Criteria: Invitae Variant Classification Sherloc (09022015). Collection method: clinical testing. Allele origin: germline.
Comment: This sequence change falls in intron 16 of the ABCB11 gene. It does not directly change the encoded amino acid sequence of the ABCB11 protein. This variant is not present in population databases (gnomAD no frequency). This variant has not been reported in the literature in individuals affected with ABCB11-related conditions. Algorithms developed to predict the effect of sequence changes on RNA splicing suggest that this variant may disrupt the consensus splice site. In summary, the available evidence is currently insufficient to determine the role of this variant in disease. Therefore, it has been classified as a Variant of Uncertain Significance.

Natera, Inc.
Classification: Uncertain significance for Progressive familial intrahepatic cholestasis type 2. Last evaluated: 2025-01-27. Review status: no assertion criteria provided. Collection method: clinical testing. Allele origin: germline. Not counted in ClinVar's aggregate classification.

NM_003742.4(ABCB11):c.2012-8T>C

Gene: ABCB11 (ATP binding cassette subfamily B member 11; minus strand). Cytogenetic location: 2q31.1.
Variant type: single nucleotide variant.
Coding change: c.2012-8T>C on transcript NM_003742.4 (MANE Select); 8 bases into the intron before coding-DNA position 2012, T replaced by C.
Molecular consequence: intron variant.
Genome position (GRCh38, 1-based): chr2:168,968,498, A>G on the plus strand (T>C on the coding strand, the complement: ABCB11 is on the minus strand). VCF-style: chr2-168968498-A-G. GRCh37 (hg19) VCF-style: chr2-169825008-A-G.
Identifiers: ClinVar variation 2145842 (VCV002145842.5), dbSNP rs769910565, ClinGen allele CA2580064382.